The following is an entry in ClinVar:

NM_173598.6(KSR2):c.1211G>A (p.Arg404His)

Gene: KSR2 (kinase suppressor of ras 2; minus strand). Cytogenetic location: 12q24.22.
Variant type: single nucleotide variant.
Coding change: c.1211G>A on transcript NM_173598.6 (MANE Select); coding-DNA position 1211, G replaced by A.
Protein change: p.Arg404His; replaces arginine 404 with histidine.
Molecular consequence: missense variant.
Genome position (GRCh38, 1-based): chr12:117,582,320, C>T on the plus strand (G>A on the coding strand, the complement: KSR2 is on the minus strand). VCF-style: chr12-117582320-C-T. GRCh37 (hg19) VCF-style: chr12-118020125-C-T.
Other names: short protein forms R404H.
Identifiers: ClinVar variation 2636076 (VCV002636076.4), dbSNP rs1271054017, ClinGen allele CA386937405.

ClinVar aggregate classification (germline): Uncertain significance (1 of 4 stars; one submission).

Conditions:
KSR2-related disorder. Also called: KSR2-related condition.

Allele frequency attached by ClinVar (database versions not stated): gnomAD 0.00001; gnomAD exomes 0.00001; TOPMed 0.00001.
gnomAD v4.1: 10 of 1,613,640 alleles (0.00062%); highest among the groups gnomAD compares: South Asian, 0.0022%; no homozygotes.

Submission:

PreventionGenetics, part of Exact Sciences
Classification: Uncertain significance for KSR2-related condition. Last evaluated: 2025-03-03. Review status: criteria provided, single submitter. Criteria: ACMG Guidelines, 2015. Collection method: clinical testing. Allele origin: germline.
Comment: The KSR2 c.1124G>A variant is predicted to result in the amino acid substitution p.Arg375His. To our knowledge, this variant has not been reported in the literature. This variant is reported in 0.0099% of alleles in individuals of Ashkenazi Jewish descent in gnomAD. At this time, the clinical significance of this variant is uncertain due to the absence of conclusive functional and genetic evidence.